The following is an entry in ClinVar:

NC_000023.11:g.77957506_78280549dup

Genes: ATP7A (ATPase copper transporting alpha; plus strand), CYSLTR1 (cysteinyl leukotriene receptor 1; minus strand), PGAM4 (phosphoglycerate mutase family member 4; minus strand), PGK1 (phosphoglycerate kinase 1; plus strand), TAF9B (TATA-box binding protein associated factor 9b; minus strand) and 6 more. Cytogenetic location: Xq21.1.
Variant type: Duplication.
Identifiers: ClinVar variation 1184285 (VCV001184285.2).

ClinVar aggregate classification (germline): Uncertain significance (1 of 4 stars; one submission).

Submission:

New York Genome Center
Classification: Uncertain significance. Last evaluated: 2020-06-12. Review status: criteria provided, single submitter. Criteria: NYGC Assertion Criteria 2020. Collection method: clinical testing. Allele origin: inherited. Affected: yes. Observed: 1 variant allele. Study: CSER-NYCKidSeq.
Comment: This duplication contains 4 OMIM associated genes including full duplication of TAF9B and PGK1, as well as partial duplication of genes CYSLTR1 and ATP7A. To our current knowledge, the duplication identified in this individual has not been reported in the literature. Of the four OMIM associated genes within this duplication, two are disease associated. Pathogenic variants in PGK1 are associated with Phosphoglycerate kinase 1 deficiency (MIM#300653), and pathogenic variants in ATP7A are associated with Menkes disease (MIM#309400), Occipital horn syndrome (MIM#304150), and Spinal muscular atrophy, distal, X-Linked 3 (MIM#300489). Given the uncertainty regarding the functional consequence of the Xq21.1 duplication, it is reported here as a Variant of Uncertain Significance.